The following is an entry in ClinVar:

NM_030665.4(RAI1):c.4321G>T (p.Ala1441Ser)

Gene: RAI1 (retinoic acid induced 1; plus strand). Cytogenetic location: 17p11.2.
Variant type: single nucleotide variant.
Coding change: c.4321G>T on transcript NM_030665.4 (MANE Select); coding-DNA position 4321, G replaced by T.
Protein change: p.Ala1441Ser; replaces alanine 1441 with serine.
Molecular consequence: missense variant.
Genome position (GRCh38, 1-based): chr17:17,797,269, G>T. VCF-style: chr17-17797269-G-T. GRCh37 (hg19) VCF-style: chr17-17700583-G-T.
Other names: short protein forms A1441S.
Identifiers: ClinVar variation 2977627 (VCV002977627.3), dbSNP rs2543618873, ClinGen allele CA398556374.

ClinVar aggregate classification (germline): Uncertain significance (1 of 4 stars; one submission).

Submission:

Labcorp Genetics (formerly Invitae), Labcorp
Classification: Uncertain significance. Last evaluated: 2023-11-19. Review status: criteria provided, single submitter. Criteria: Invitae Variant Classification Sherloc (09022015). Collection method: clinical testing. Allele origin: germline.
Comment: This sequence change replaces alanine, which is neutral and non-polar, with serine, which is neutral and polar, at codon 1441 of the RAI1 protein (p.Ala1441Ser). This variant is not present in population databases (gnomAD no frequency). This variant has not been reported in the literature in individuals affected with RAI1-related conditions. Advanced modeling of protein sequence and biophysical properties (such as structural, functional, and spatial information, amino acid conservation, physicochemical variation, residue mobility, and thermodynamic stability) performed at Invitae indicates that this missense variant is not expected to disrupt RAI1 protein function with a negative predictive value of 80%. In summary, the available evidence is currently insufficient to determine the role of this variant in disease. Therefore, it has been classified as a Variant of Uncertain Significance.